The following is an entry in ClinVar:

NC_000019.9:g.(?_46093021)_(46095956_46105352)del

Gene: GPR4 (G protein-coupled receptor 4; minus strand). Cytogenetic location: 19q13.32.
Variant type: Deletion.
Identifiers: ClinVar variation 3769383 (VCV003769383.2).

ClinVar aggregate classification (germline): Uncertain significance (1 of 4 stars; one submission).

Submission:

Women's Health and Genetics/Laboratory Corporation of America, LabCorp
Classification: Uncertain significance. Last evaluated: 2025-01-28. Review status: criteria provided, single submitter. Criteria: LabCorp Variant Classification Summary - May 2015. Collection method: clinical testing. Allele origin: germline.
Comment: Variant summary: The variant involves the deletion of exon 2 in the GPR4 gene. A presumed nomenclature of c.(-832+1_-831-1)_(*1015_?)del has been designated for the purposes of this classification. This deletion includes the entire coding sequence of the gene. As the exact proximal and distal breakpoints are unknown, it may extend beyond the annotated region of the gene to include other flanking genes. Current evidence is not sufficient to establish loss of function as a mechanism for disease. There are no occurrences of this or any similar deletions in the gnomAD database. The available data on variant occurrences in the general population are insufficient to allow any conclusion about variant significance. To our knowledge, no occurrence of c.(-832+1_-831-1)_(*1015_?)del in individuals affected with GPR4-Related Disorders and no experimental evidence demonstrating its impact on protein function have been reported. No submitters have cited clinical-significance assessments for this variant to ClinVar. Based on the evidence outlined above, the variant was classified as uncertain significance.